The following is an entry in ClinVar:

NM_000243.3(MEFV):c.803C>A (p.Ala268Asp)

Gene: MEFV (MEFV innate immunity regulator, pyrin; minus strand). Cytogenetic location: 16p13.3.
Variant type: single nucleotide variant.
Coding change: c.803C>A on transcript NM_000243.3 (MANE Select); coding-DNA position 803, C replaced by A.
Protein change: p.Ala268Asp; replaces alanine 268 with aspartic acid.
Molecular consequence: missense variant. On other transcripts: intron variant (1).
Genome position (GRCh38, 1-based): chr16:3,254,265, G>T on the plus strand (C>A on the coding strand, the complement: MEFV is on the minus strand). VCF-style: chr16-3254265-G-T. GRCh37 (hg19) VCF-style: chr16-3304265-G-T.
Other names: c.277+2046C>A (NM_001198536.2); short protein forms A268D.
Identifiers: ClinVar variation 940448 (VCV000940448.7), dbSNP rs104895123, ClinGen allele CA7860324.

ClinVar aggregate classification (germline): Uncertain significance (1 of 4 stars; one submission).

Conditions:
Familial Mediterranean fever (FMF). Also called: POLYSEROSITIS, FAMILIAL PAROXYSMAL; POLYSEROSITIS, RECURRENT; Periodic peritonitis; Benign paroxysmal peritonitis. Identifiers: Orphanet 342, MedGen C0031069, MONDO:0018088, OMIM 249100. Disease mechanism: gain of function.

Allele frequency attached by ClinVar (database versions not stated): gnomAD 0.00003; gnomAD exomes below 0.00001; TOPMed 0.00002; ESP Exome Variant Server 0.00015; ExAC 0.00001.
gnomAD v4.1: 4 of 1,614,148 alleles (0.00025%); highest among the groups gnomAD compares: African/African-American, 0.0053%; no homozygotes.

Submission:

Labcorp Genetics (formerly Invitae), Labcorp
Classification: Uncertain significance for Familial Mediterranean fever. Last evaluated: 2024-07-31. Review status: criteria provided, single submitter. Criteria: Invitae Variant Classification Sherloc (09022015). Collection method: clinical testing. Allele origin: germline.
Comment: This sequence change replaces alanine, which is neutral and non-polar, with aspartic acid, which is acidic and polar, at codon 268 of the MEFV protein (p.Ala268Asp). This variant is present in population databases (rs104895123, gnomAD 0.008%). This variant has not been reported in the literature in individuals affected with MEFV-related conditions. ClinVar contains an entry for this variant (Variation ID: 940448). An algorithm developed to predict the effect of missense changes on protein structure and function (PolyPhen-2) suggests that this variant¬†is likely to be tolerated. In summary, the available evidence is currently insufficient to determine the role of this variant in disease. Therefore, it has been classified as a Variant of Uncertain Significance.